The following is an entry in ClinVar:

ClinVar aggregate classification (germline): Likely benign. Review status: criteria provided, multiple submitters, no conflicts (2 of 4 stars). 2 submissions from 2 submitters: Likely benign (2). Last evaluated 2025-03-17.

Conditions:
Hereditary spastic paraplegia 11. Also called: SPASTIC PARAPLEGIA, AUTOSOMAL RECESSIVE, COMPLICATED, WITH THIN CORPUS CALLOSUM; SPASTIC PARAPLEGIA, AUTOSOMAL RECESSIVE, WITH MENTAL IMPAIRMENT AND THIN CORPUS CALLOSUM; Spastic Paraplegia 11; Nakamura Osame syndrome; Autosomal recessive hereditary spastic paraplegia, mental impairment, and thin corpus callosum; Spastic paraplegia, mental retardation and thin corpus callosum. Identifiers: Orphanet 2822, MedGen C1858479, MONDO:0011445, OMIM 604360.
SPG11-related disorder. Also called: SPG11-related condition.

Allele frequency attached by ClinVar (database versions not stated): gnomAD exomes below 0.00001; gnomAD 0.00001; TOPMed 0.00002.
gnomAD v4.1: 3 of 1,613,978 alleles (0.00019%); highest among the groups gnomAD compares: African/African-American, 0.0027%; no homozygotes.

Submissions (2):

PreventionGenetics, part of Exact Sciences
Classification: Likely benign for SPG11-related condition. Last evaluated: 2025-03-17. Review status: criteria provided, single submitter. Criteria: ACMG Guidelines, 2015. Collection method: clinical testing. Allele origin: germline.
Comment: This variant is classified as likely benign based on ACMG/AMP sequence variant interpretation guidelines (Richards et al. 2015 PMID: 25741868, with internal and published modifications).

Labcorp Genetics (formerly Invitae), Labcorp
Classification: Likely benign for Hereditary spastic paraplegia 11. Last evaluated: 2024-09-08. Review status: criteria provided, single submitter. Criteria: Invitae Variant Classification Sherloc (09022015). Collection method: clinical testing. Allele origin: germline.

NM_025137.4(SPG11):c.6678C>T (p.Ser2226=)

Gene: SPG11 (SPG11 vesicle trafficking associated, spatacsin; minus strand). Cytogenetic location: 15q21.1.
Variant type: single nucleotide variant.
Coding change: c.6678C>T on transcript NM_025137.4 (MANE Select); coding-DNA position 6678, C replaced by T.
Protein change: p.Ser2226=; no amino-acid change (serine 2226 retained).
Molecular consequence: synonymous variant.
Genome position (GRCh38, 1-based): chr15:44,567,500, G>A on the plus strand (C>T on the coding strand, the complement: SPG11 is on the minus strand). VCF-style: chr15-44567500-G-A. GRCh37 (hg19) VCF-style: chr15-44859698-G-A.
Other names: c.6339C>T, p.Ser2113= (NM_001160227.2); c.6678C>T (NM_025137.3).
Identifiers: ClinVar variation 1448386 (VCV001448386.7), dbSNP rs1193369646, ClinGen allele CA490202816.